The following is an entry in ClinVar:

ClinVar aggregate classification (germline): Likely pathogenic. Review status: criteria provided, multiple submitters, no conflicts (2 of 4 stars). 2 submissions from 2 submitters: Likely pathogenic (2). Last evaluated 2024-04-22.

Conditions:
Glycine encephalopathy. Also called: Non-ketotic hyperglycinemia; Nonketotic hyperglycinemia. Identifiers: Orphanet 407, MedGen C0751748, MONDO:0011612, HP:0008288.

Submissions (2):

Labcorp Genetics (formerly Invitae), Labcorp
Classification: Likely pathogenic for Glycine encephalopathy. Last evaluated: 2024-04-22. Review status: criteria provided, single submitter. Criteria: Invitae Variant Classification Sherloc (09022015). Collection method: clinical testing. Allele origin: germline.
Comment: This sequence change affects a donor splice site in intron 4 of the GLDC gene. It is expected to disrupt RNA splicing. Variants that disrupt the donor or acceptor splice site typically lead to a loss of protein function (PMID: 16199547), and loss-of-function variants in GLDC are known to be pathogenic (PMID: 16601880). This variant is not present in population databases (gnomAD no frequency). This variant has not been reported in the literature in individuals affected with GLDC-related conditions. ClinVar contains an entry for this variant (Variation ID: 810355). Algorithms developed to predict the effect of sequence changes on RNA splicing suggest that this variant may disrupt the consensus splice site. In summary, the currently available evidence indicates that the variant is pathogenic, but additional data are needed to prove that conclusively. Therefore, this variant has been classified as Likely Pathogenic.

CeGaT Center for Human Genetics Tuebingen
Classification: Likely pathogenic. Last evaluated: 2017-02-01. Review status: criteria provided, single submitter. Criteria: CeGaT Center For Human Genetics Tuebingen Variant Classification Criteria Version 2. Collection method: clinical testing. Allele origin: germline. Affected: yes. Observed: 1 variant allele.

Literature cited by the submitters: PubMed 16199547 (cited by Labcorp Genetics (formerly Invitae), Labcorp); PubMed 16601880 (cited by Labcorp Genetics (formerly Invitae), Labcorp).

NM_000170.3(GLDC):c.635+1G>C

Gene: GLDC (glycine decarboxylase; minus strand). Cytogenetic location: 9p24.1.
Variant type: single nucleotide variant.
Coding change: c.635+1G>C on transcript NM_000170.3 (MANE Select); the canonical splice donor site of the intron after coding-DNA position 635, G replaced by C.
Molecular consequence: splice donor variant.
Genome position (GRCh38, 1-based): chr9:6,610,191, C>G on the plus strand (G>C on the coding strand, the complement: GLDC is on the minus strand). VCF-style: chr9-6610191-C-G. GRCh37 (hg19) VCF-style: chr9-6610191-C-G.
Identifiers: ClinVar variation 810355 (VCV000810355.45), dbSNP rs1368757896, ClinGen allele CA372898093.